The following is an entry in ClinVar:

NM_032242.4(PLXNA1):c.4062G>A (p.Ser1354=)

Gene: PLXNA1 (plexin A1; plus strand). Cytogenetic location: 3q21.3.
Variant type: single nucleotide variant.
Coding change: c.4062G>A on transcript NM_032242.4 (MANE Select); coding-DNA position 4062, G replaced by A.
Protein change: p.Ser1354=; no amino-acid change (serine 1354 retained).
Molecular consequence: synonymous variant.
Genome position (GRCh38, 1-based): chr3:127,022,108, G>A. VCF-style: chr3-127022108-G-A. GRCh37 (hg19) VCF-style: chr3-126740951-G-A.
Identifiers: ClinVar variation 3357248 (VCV003357248.2).

ClinVar aggregate classification (germline): Likely benign. Review status: criteria provided, single submitter (1 of 4 stars). 2 submissions from 2 submitters: Likely benign (1). 1 of the submissions does not count toward it. Last evaluated 2026-01-19.

Conditions:
PLXNA1-related disorder. Also called: PLXNA1-related condition.

gnomAD v4.1: 18 of 1,612,888 alleles (0.0011%); highest among the groups gnomAD compares: South Asian, 0.0099%; no homozygotes.

Submissions (2):

Labcorp Genetics (formerly Invitae), Labcorp
Classification: Likely benign. Last evaluated: 2026-01-19. Review status: criteria provided, single submitter. Criteria: Invitae Variant Classification Sherloc (09022015). Collection method: clinical testing. Allele origin: germline.

PreventionGenetics, part of Exact Sciences
Classification: Likely benign for PLXNA1-related condition. Last evaluated: 2021-10-14. Review status: no assertion criteria provided. Collection method: clinical testing. Allele origin: germline. Not counted in ClinVar's aggregate classification.
Comment: This variant is classified as likely benign based on ACMG/AMP sequence variant interpretation guidelines (Richards et al. 2015 PMID: 25741868, with internal and published modifications).